The following is an entry in ClinVar:

ClinVar aggregate classification (germline): Likely benign. Review status: criteria provided, multiple submitters, no conflicts (2 of 4 stars). 5 submissions from 5 submitters: Likely benign (5). Last evaluated 2026-04-06.

Conditions:
Hereditary cancer-predisposing syndrome. Also called: Tumor predisposition; Hereditary Cancer Syndrome; Hereditary neoplastic syndrome; Neoplastic Syndromes, Hereditary. Identifiers: Orphanet 140162, MedGen C0027672, MeSH D009386, MONDO:0015356.
POLD1-related polyposis and colorectal cancer syndrome (CRCS10). Also called: Colorectal cancer 10; COLORECTAL CANCER, SUSCEPTIBILITY TO, ON CHROMOSOME 19q; Colorectal cancer, susceptibility to, 10. Identifiers: Orphanet 220460, MedGen C2675481, MONDO:0012953, OMIM 612591.

Allele frequency attached by ClinVar (database versions not stated): TOPMed 0.00002; ExAC 0.00008.
gnomAD v4.1: 32 of 1,612,430 alleles (0.002%); highest among the groups gnomAD compares: South Asian, 0.029%; no homozygotes.

Submissions (5):

Women's Health and Genetics/Laboratory Corporation of America, LabCorp
Classification: Likely benign. Last evaluated: 2026-04-06. Review status: criteria provided, single submitter. Criteria: LabCorp Variant Classification Summary - May 2015. Collection method: clinical testing. Allele origin: germline.

Labcorp Genetics (formerly Invitae), Labcorp
Classification: Likely benign for POLD1-related polyposis and colorectal cancer syndrome. Last evaluated: 2026-01-31. Review status: criteria provided, single submitter. Criteria: Invitae Variant Classification Sherloc (09022015). Collection method: clinical testing. Allele origin: germline.

GeneDx
Classification: Likely benign. Last evaluated: 2018-01-11. Review status: criteria provided, single submitter. Criteria: GeneDx Variant Classification (06012015). Collection method: clinical testing. Allele origin: germline. Affected: yes.
Comment: This variant is considered likely benign or benign based on one or more of the following criteria: it is a conservative change, it occurs at a poorly conserved position in the protein, it is predicted to be benign by multiple in silico algorithms, and/or has population frequency not consistent with disease.

Ambry Genetics
Classification: Likely benign for Hereditary cancer-predisposing syndrome. Last evaluated: 2017-11-01. Review status: criteria provided, single submitter. Criteria: Ambry Variant Classification Scheme 2023. Collection method: clinical testing. Allele origin: germline.

PreventionGenetics, part of Exact Sciences
Classification: Likely benign. Last evaluated: 2017-03-31. Review status: criteria provided, single submitter. Criteria: ACMG Guidelines, 2015. Collection method: clinical testing. Allele origin: germline.

NM_002691.4(POLD1):c.780C>T (p.Ile260=)

Gene: POLD1 (DNA polymerase delta 1, catalytic subunit; plus strand). Cytogenetic location: 19q13.33.
Variant type: single nucleotide variant.
Coding change: c.780C>T on transcript NM_002691.4 (MANE Select); coding-DNA position 780, C replaced by T.
Protein change: p.Ile260=; no amino-acid change (isoleucine 260 retained).
Molecular consequence: synonymous variant. On other transcripts: non-coding transcript variant (1).
Genome position (GRCh38, 1-based): chr19:50,402,475, C>T. VCF-style: chr19-50402475-C-T. GRCh37 (hg19) VCF-style: chr19-50905732-C-T.
Other names: c.780C>T, p.Ile260= (NM_001256849.1, NM_001308632.1).
Identifiers: ClinVar variation 514765 (VCV000514765.15), dbSNP rs762155346, ClinGen allele CA9595903.